The following is an entry in ClinVar:

ClinVar aggregate classification (germline): Likely pathogenic (1 of 4 stars; one submission).

Conditions:
Gaucher disease. Also called: Acute cerebral Gaucher disease; Cerebroside lipidosis syndrome; Gaucher splenomegaly; Sphingolipidosis 1; Glucocerebrosidosis; Glucosylceramidase deficiency. Identifiers: Orphanet 355, MedGen C0017205, MONDO:0018150.

Submission:

Natera, Inc.
Classification: Likely pathogenic for Gaucher disease. Last evaluated: 2024-10-23. Review status: criteria provided, single submitter. Criteria: Natera Variant Classification Schema (03/2026). Collection method: clinical testing. Allele origin: germline.
Comment: The c.755T>C variant in GBA1 is a missense variant predicted to cause substitution of phenylalanine to serine at amino acid 252. This variant is rare in the general population with a frequency below the threshold expected for the associated phenotype(s). This variant has been observed in one or more individuals affected with the associated recessive disease, as either homozygous or compound heterozygous with a second variant (PMID: 34072542). This variant has been identified in one or more affected individuals with a phenotype highly consistent with the associated gene (PMID: 34072542). A different variant at the same position has been determined to be Pathogenic or Likely Pathogenic. Computational prediction algorithms indicate this variant is likely to affect gene or protein function. Given the available evidence, this variant is classified as Likely Pathogenic.

Literature cited by the submitters: PubMed 34072542.

NM_000157.4(GBA1):c.755T>C (p.Phe252Ser)

Genes: GBA1 (glucosylceramidase beta 1; minus strand), LOC106627981 (GBA recombination region; plus strand). Cytogenetic location: 1q22.
Variant type: single nucleotide variant.
Coding change: c.755T>C on transcript NM_000157.4 (MANE Select); coding-DNA position 755, T replaced by C.
Protein change: p.Phe252Ser; replaces phenylalanine 252 with serine.
Molecular consequence: missense variant.
Genome position (GRCh38, 1-based): chr1:155,238,140, A>G on the plus strand (T>C on the coding strand, the complement: GBA1 is on the minus strand). VCF-style: chr1-155238140-A-G. GRCh37 (hg19) VCF-style: chr1-155207931-A-G.
Other names: c.755T>C, p.Phe252Ser (NM_001005741.3, NM_001005742.3); c.494T>C, p.Phe165Ser (NM_001171811.2); c.608T>C, p.Phe203Ser (NM_001171812.2); short protein forms F165S, F203S, F252S.
Identifiers: ClinVar variation 4817803 (VCV004817803.1).